The following is an entry in ClinVar:

ClinVar aggregate classification (germline): Uncertain significance (1 of 4 stars; one submission).

Allele frequency attached by ClinVar (database versions not stated): gnomAD exomes below 0.00001; ExAC 0.00001.
gnomAD v4.1: 1 of 1,614,166 alleles (0.000062%); highest among the groups gnomAD compares: Non-Finnish European, 0.000085%; no homozygotes.

Submission:

Labcorp Genetics (formerly Invitae), Labcorp
Classification: Uncertain significance. Last evaluated: 2022-03-04. Review status: criteria provided, single submitter. Criteria: Invitae Variant Classification Sherloc (09022015). Collection method: clinical testing. Allele origin: germline.
Comment: In summary, the available evidence is currently insufficient to determine the role of this variant in disease. Therefore, it has been classified as a Variant of Uncertain Significance. Algorithms developed to predict the effect of sequence changes on RNA splicing suggest that this variant may create or strengthen a splice site. Algorithms developed to predict the effect of missense changes on protein structure and function (SIFT, PolyPhen-2, Align-GVGD) all suggest that this variant is likely to be tolerated. This variant has not been reported in the literature in individuals affected with LIPC-related conditions. This variant is present in population databases (rs777550023, gnomAD 0.0009%). This sequence change replaces methionine, which is neutral and non-polar, with valine, which is neutral and non-polar, at codon 48 of the LIPC protein (p.Met48Val).

NM_000236.3(LIPC):c.142A>G (p.Met48Val)

Gene: LIPC (lipase C, hepatic type; plus strand). Cytogenetic location: 15q21.3.
Variant type: single nucleotide variant.
Coding change: c.142A>G on transcript NM_000236.3 (MANE Select); coding-DNA position 142, A replaced by G.
Protein change: p.Met48Val; replaces methionine 48 with valine.
Molecular consequence: missense variant.
Genome position (GRCh38, 1-based): chr15:58,538,386, A>G. VCF-style: chr15-58538386-A-G. GRCh37 (hg19) VCF-style: chr15-58830585-A-G.
Other names: short protein forms M48V.
Identifiers: ClinVar variation 2057604 (VCV002057604.4), dbSNP rs777550023, ClinGen allele CA7584730.